The following is an entry in ClinVar:

ClinVar aggregate classification (germline): Pathogenic (1 of 4 stars; one submission).

Allele frequency attached by ClinVar (database versions not stated): gnomAD exomes below 0.00001.
gnomAD v4.1: 1 of 1,613,764 alleles (0.000062%); highest among the groups gnomAD compares: Non-Finnish European, 0.000085%; no homozygotes.

Submission:

GeneDx
Classification: Pathogenic. Last evaluated: 2017-01-05. Review status: criteria provided, single submitter. Criteria: GeneDx Variant Classification (06012015). Collection method: clinical testing. Allele origin: germline. Affected: yes.
Comment: The R932X variant in the DIAPH1 gene has not been reported previously as a pathogenic variant nor as a benign variant, to our knowledge. This variant is predicted to cause loss of normal protein function either through protein truncation or nonsense-mediated mRNA decay. The R932X variant was not observed in approximately 6200 individuals of European and African American ancestry in the NHLBI Exome Sequencing Project, indicating it is not a common benign variant in these populations. We interpret R932X as a pathogenic variant.

NM_005219.5(DIAPH1):c.2794C>T (p.Arg932Ter)

Gene: DIAPH1 (diaphanous related formin 1; minus strand). Cytogenetic location: 5q31.3.
Variant type: single nucleotide variant.
Coding change: c.2794C>T on transcript NM_005219.5 (MANE Select); coding-DNA position 2794, C replaced by T.
Protein change: p.Arg932Ter; replaces arginine 932 with a stop codon.
Molecular consequence: nonsense.
Genome position (GRCh38, 1-based): chr5:141,528,926, G>A on the plus strand (C>T on the coding strand, the complement: DIAPH1 is on the minus strand). VCF-style: chr5-141528926-G-A. GRCh37 (hg19) VCF-style: chr5-140908493-G-A.
Other names: c.2767C>T, p.Arg923Ter (NM_001079812.3); c.2794C>T, p.Arg932Ter (NM_001314007.2); short protein forms R923*, R932*.
Identifiers: ClinVar variation 391928 (VCV000391928.2), dbSNP rs1057524293, ClinGen allele CA16604818.